The following is an entry in ClinVar:

ClinVar aggregate classification (germline): Benign. Review status: criteria provided, multiple submitters, no conflicts (2 of 4 stars). 5 submissions from 5 submitters: Benign (5). Last evaluated 2024-07-31.

Conditions:
Autosomal recessive early-onset Parkinson disease 6 (PARK6). Also called: PARKINSON DISEASE 6, EARLY-ONSET; PINK1 Type of Young-Onset Parkinson Disease; PINK1-Related Parkinson Disease; PARKINSON DISEASE 6, MODIFIER OF. Identifiers: Orphanet 2828, MedGen C1853833, MONDO:0011613, OMIM 605909.

Allele frequency attached by ClinVar (database versions not stated): 1000 Genomes Project 30x 0.83323; 1000 Genomes Project 0.83446; TOPMed 0.84010; gnomAD 0.84751 and 0.84861; ESP Exome Variant Server 0.85335; ExAC 0.86389; gnomAD exomes 0.87148.
gnomAD v4.1: 1,394,816 of 1,604,550 alleles (87%); highest among the groups gnomAD compares: Middle Eastern, 91%; 607,273 homozygotes.

Submissions (5):

Unidad de Genómica Garrahan, Hospital de Pediatría Garrahan
Classification: Benign. Last evaluated: 2024-07-31. Review status: criteria provided, single submitter. Criteria: ACMG Guidelines, 2015. Collection method: clinical testing. Allele origin: germline. Affected: no. Observed: 88 variant alleles.
Comment: This variant is classified as Benign based on local population frequency. This variant was detected in 95% of patients studied in a panel designed for Epileptic and Developmental Encephalopathy, Progressive Myoclonus Epilepsy and Abnormal Movements and Neurodegeneration with brain iron accumulation. Number of patients: 88. Only high quality variants are reported.

Genome-Nilou Lab
Classification: Benign for Autosomal recessive early-onset Parkinson disease 6. Last evaluated: 2021-09-05. Review status: criteria provided, single submitter. Criteria: ACMG Guidelines, 2015. Collection method: clinical testing. Allele origin: germline. Affected: no.

GeneDx
Classification: Benign. Last evaluated: 2018-07-09. Review status: criteria provided, single submitter. Criteria: GeneDx Variant Classification Process June 2021. Collection method: clinical testing. Allele origin: germline. Affected: yes.

Illumina Laboratory Services, Illumina
Classification: Benign for Autosomal recessive early-onset Parkinson disease 6. Last evaluated: 2018-01-12. Review status: criteria provided, single submitter. Criteria: ICSL Variant Classification Criteria 13 December 2019. Collection method: clinical testing. Allele origin: germline.
Comment: This variant was observed in the ICSL laboratory as part of a predisposition screen in an ostensibly healthy population. It had not been previously curated by ICSL or reported in the Human Gene Mutation Database (HGMD: prior to June 1st, 2018), and was therefore a candidate for classification through an automated scoring system. Utilizing variant allele frequency, disease prevalence and penetrance estimates, and inheritance mode, an automated score was calculated to assess if this variant is too frequent to cause the disease. Based on the score and internal cut-off values, a variant classified as benign is not then subjected to further curation. The score for this variant resulted in a classification of benign for this disease.

Breakthrough Genomics
Classification: Benign. Review status: criteria provided, single submitter. Criteria: ACMG Guidelines, 2015. Collection method: not provided. Allele origin: germline. Inheritance: Autosomal recessive inheritance. Affected: yes.

NM_032409.3(PINK1):c.*37A>T

Genes: PINK1 (PTEN induced kinase 1; plus strand), PINK1-AS (PINK1 antisense RNA; minus strand). Cytogenetic location: 1p36.12.
Variant type: single nucleotide variant.
Coding change: c.*37A>T on transcript NM_032409.3 (MANE Select); 37 bases downstream of the stop codon, A replaced by T.
Molecular consequence: 3 prime UTR variant. On other transcripts: non-coding transcript variant (1).
Genome position (GRCh38, 1-based): chr1:20,650,728, A>T. VCF-style: chr1-20650728-A-T. GRCh37 (hg19) VCF-style: chr1-20977221-A-T.
Identifiers: ClinVar variation 295011 (VCV000295011.13), dbSNP rs686658, ClinGen allele CA660935.
Genomic context (GRCh38, chr1:20,650,728, plus strand): 5'-TGCTCATGGAGGGCAGCCCTGTGATGTCCCTGCATGGAGCTGGTGAATTACTAAAAGAAC[A>T]TGGCATCCTCTGTGTCGTGATGGTCTGTGAATGGTGAGGGTGGGAGTCAGGAGACAAGAC-3'